The following is an entry in ClinVar:

NM_001083116.3(PRF1):c.116C>A (p.Pro39His)

Gene: PRF1 (perforin 1; minus strand). Cytogenetic location: 10q22.1.
Variant type: single nucleotide variant.
Coding change: c.116C>A on transcript NM_001083116.3 (MANE Select); coding-DNA position 116, C replaced by A.
Protein change: p.Pro39His; replaces proline 39 with histidine.
Molecular consequence: missense variant.
Genome position (GRCh38, 1-based): chr10:70,600,787, G>T on the plus strand (C>A on the coding strand, the complement: PRF1 is on the minus strand). VCF-style: chr10-70600787-G-T. GRCh37 (hg19) VCF-style: chr10-72360543-G-T.
Other names: c.116C>A, p.Pro39His (NM_005041.6); short protein forms P39H.
Identifiers: ClinVar variation 2445916 (VCV002445916.7), dbSNP rs1415842374, ClinGen allele CA376960060.

ClinVar aggregate classification (germline): Pathogenic/Likely pathogenic. Review status: criteria provided, multiple submitters, no conflicts (2 of 4 stars). 5 submissions from 5 submitters: Pathogenic (1); Likely pathogenic (4). Last evaluated 2025-08-18.

Conditions:
Aplastic anemia. Identifiers: Orphanet 182040, Orphanet 88, MedGen C0002874, MONDO:0015909, OMIM 609135, HP:0001915.
Familial hemophagocytic lymphohistiocytosis 2 (FHL2). Also called: PRF1-Related Familial Hemophagocytic Lymphohistiocytosis (PRF1-fHLH). Identifiers: Orphanet 540, MedGen C1863727, MONDO:0011337, OMIM 603553.
Familial hemophagocytic lymphohistiocytosis (FHL). Also called: Familial erythrophagocytic lymphohistiocytosis; Familial histiocytic reticulosis; Hereditary hemophagocytic lymphohistiocytosis. Identifiers: Orphanet 158038, Orphanet 540, MedGen C0272199, MONDO:0015541.
PRF1-related disorder. Also called: PRF1-related condition.

Allele frequency attached by ClinVar (database versions not stated): gnomAD exomes 0.00001.
gnomAD v4.1: 6 of 1,611,030 alleles (0.00037%); highest among the groups gnomAD compares: Non-Finnish European, 0.00051%; no homozygotes.

Submissions (5):

Labcorp Genetics (formerly Invitae), Labcorp
Classification: Likely pathogenic for Familial hemophagocytic lymphohistiocytosis 2. Last evaluated: 2025-08-18. Review status: criteria provided, single submitter. Criteria: Invitae Variant Classification Sherloc (09022015). Collection method: clinical testing. Allele origin: germline.
Comment: This sequence change replaces proline, which is neutral and non-polar, with histidine, which is basic and polar, at codon 39 of the PRF1 protein (p.Pro39His). The frequency data for this variant in the population databases is considered unreliable, as metrics indicate poor data quality at this position in the gnomAD database. This missense change has been observed in individual(s) with hemophagocytic lymphohistiocytosis (PMID: 11756153, 14757862, 31388699, 33658321). In at least one individual the data is consistent with being in trans (on the opposite chromosome) from a pathogenic variant. ClinVar contains an entry for this variant (Variation ID: 2445916). Invitae Evidence Modeling of protein sequence and biophysical properties (such as structural, functional, and spatial information, amino acid conservation, physicochemical variation, residue mobility, and thermodynamic stability) indicates that this missense variant is expected to disrupt PRF1 protein function with a positive predictive value of 95%. Experimental studies have shown that this missense change affects PRF1 function (PMID: 15755897, 16374518, 19487666). In summary, the currently available evidence indicates that the variant is pathogenic, but additional data are needed to prove that conclusively. Therefore, this variant has been classified as Likely Pathogenic.

Myriad Genetics, Inc.
Classification: Likely pathogenic for Familial hemophagocytic lymphohistiocytosis 2. Last evaluated: 2025-03-20. Review status: criteria provided, single submitter. Criteria: Myriad Autosomal Dominant, Autosomal Recessive and X-Linked Classification Criteria (2023). Collection method: clinical testing. Allele origin: unknown.
Comment: NM_001083116.1(PRF1):c.116C>A(P39H) is a missense variant classified as likely pathogenic in the context of familial hemophagocytic lymphohistiocytosis, PRF1-related. P39H has been observed in cases with relevant disease (PMID: 33694335, 32542393, 32851268, 11756153). Relevant functional assessments of this variant are available in the literature (PMID: 16374518, 15755897). P39H has been observed in referenced population frequency databases. In summary, NM_001083116.1(PRF1):c.116C>A(P39H) is a missense variant that has been observed more frequently in cases with the relevant disease than in healthy populations. Please note: this variant was assessed in the context of healthy population screening.

Women's Health and Genetics/Laboratory Corporation of America, LabCorp
Classification: Likely pathogenic for Familial hemophagocytic lymphohistiocytosis. Last evaluated: 2024-12-04. Review status: criteria provided, single submitter. Criteria: LabCorp Variant Classification Summary - May 2015. Collection method: clinical testing. Allele origin: germline.
Comment: Variant summary: PRF1 c.116C>A (p.Pro39His) results in a non-conservative amino acid change located in the Membrane attack complex component/perforin (MACPF) domain (IPR020864) of the encoded protein sequence. Five of five in-silico tools predict a damaging effect of the variant on protein function. The variant allele was found at a frequency of 8.1e-06 in 246598 control chromosomes.c.116C>A has been reported in the literature as a biallelic genotype in individuals affected with Familial Hemophagocytic Lymphohistiocytosis and related phenotypes (e.g. Kogawa_2002, Zhang_2019, Taieb_2021). These data indicate that the variant may be associated with disease. Functional studies reported the nearly complete absence of the variant protein when expressed in rat basophile leukemia, with the absence of any lytic activity (Voskoboinik_2005), in addition, a later study confirmed this low activity (i.e. less than 10% ) at physiological temperatures (37 degrees Celsius) in mouse lymphocytes (Chia_2009). The following publications have been ascertained in the context of this evaluation (PMID: 19487666, 11756153, 33658321, 15755897, 31388699). ClinVar contains an entry for this variant (Variation ID: 2445916). Based on the evidence outlined above, the variant was classified as likely pathogenic.

Baylor Genetics
Classification: Pathogenic for Aplastic anemia. Last evaluated: 2024-02-07. Review status: criteria provided, single submitter. Criteria: ACMG Guidelines, 2015. Collection method: clinical testing. Allele origin: unknown.

Blueprint Genetics
Classification: Likely pathogenic for PRF1-related disorders. Last evaluated: 2022-09-19. Review status: criteria provided, single submitter. Criteria: ACMG Guidelines, 2015. Collection method: clinical testing. Allele origin: germline. Affected: yes. Observed: 2 variant alleles.

Literature cited by the submitters: PubMed 11756153 (cited by 3 submitters); PubMed 14757862 (cited by Labcorp Genetics (formerly Invitae), Labcorp); PubMed 31388699 (cited by Labcorp Genetics (formerly Invitae), Labcorp and Women's Health and Genetics/Laboratory Corporation of America, LabCorp); PubMed 33658321 (cited by Labcorp Genetics (formerly Invitae), Labcorp and Women's Health and Genetics/Laboratory Corporation of America, LabCorp); PubMed 15755897 (cited by 3 submitters); PubMed 16374518 (cited by Labcorp Genetics (formerly Invitae), Labcorp and Myriad Genetics, Inc.); PubMed 19487666 (cited by Labcorp Genetics (formerly Invitae), Labcorp and Women's Health and Genetics/Laboratory Corporation of America, LabCorp); PubMed 32542393 (cited by Myriad Genetics, Inc.); PubMed 32851268 (cited by Myriad Genetics, Inc.); PubMed 33694335 (cited by Myriad Genetics, Inc.).